The following is an entry in ClinVar:

ClinVar aggregate classification (germline): Uncertain significance. Review status: criteria provided, multiple submitters, no conflicts (2 of 4 stars). 3 submissions from 3 submitters: Uncertain significance (3). Last evaluated 2025-10-22.

Conditions:
Retinoblastoma (RB1). Also called: RETINOBLASTOMA, SOMATIC. Identifiers: Orphanet 790, MedGen C0035335, MeSH D012175, MONDO:0008380, OMIM 180200, HP:0009919. Disease mechanism: loss of function. Inheritance: Both sporadic and heritable forms are tested..
Hereditary cancer-predisposing syndrome. Also called: Hereditary neoplastic syndrome; Hereditary Cancer Syndrome; Neoplastic Syndromes, Hereditary; Tumor predisposition. Identifiers: Orphanet 140162, MedGen C0027672, MeSH D009386, MONDO:0015356.

Submissions (3):

Ambry Genetics
Classification: Uncertain significance for Hereditary cancer-predisposing syndrome. Last evaluated: 2025-10-22. Review status: criteria provided, single submitter. Criteria: Ambry Variant Classification Scheme 2023. Collection method: clinical testing. Allele origin: germline.
Comment: The p.A11T variant (also known as c.31G>A), located in coding exon 1 of the RB1 gene, results from a G to A substitution at nucleotide position 31. The alanine at codon 11 is replaced by threonine, an amino acid with similar properties. This amino acid position is conserved. In addition, the in silico prediction for this alteration is inconclusive. Based on the available evidence, the clinical significance of this variant remains unclear.

Labcorp Genetics (formerly Invitae), Labcorp
Classification: Uncertain significance for Retinoblastoma. Last evaluated: 2024-12-15. Review status: criteria provided, single submitter. Criteria: Invitae Variant Classification Sherloc (09022015). Collection method: clinical testing. Allele origin: germline.
Comment: This sequence change replaces alanine, which is neutral and non-polar, with threonine, which is neutral and polar, at codon 11 of the RB1 protein (p.Ala11Thr). This variant is not present in population databases (gnomAD no frequency). This variant has not been reported in the literature in individuals affected with RB1-related conditions. ClinVar contains an entry for this variant (Variation ID: 3072290). Invitae Evidence Modeling of protein sequence and biophysical properties (such as structural, functional, and spatial information, amino acid conservation, physicochemical variation, residue mobility, and thermodynamic stability) has been performed for this missense variant. However, the output from this modeling did not meet the statistical confidence thresholds required to predict the impact of this variant on RB1 protein function. In summary, the available evidence is currently insufficient to determine the role of this variant in disease. Therefore, it has been classified as a Variant of Uncertain Significance.

All of Us Research Program, National Institutes of Health
Classification: Uncertain significance for Retinoblastoma. Last evaluated: 2023-08-15. Review status: criteria provided, single submitter. Criteria: ACMG Guidelines, 2015. Collection method: clinical testing. Allele origin: germline. Inheritance: Autosomal dominant inheritance. Observed: 1 variant allele, 1 heterozygote.
Comment: This study involves interpretation of variants in research participants for the purpose of population health screening. Participant phenotype was not available at the time of variant classification. Additional details can be found in publication PMID: 35346344, PMCID: PMC8962531

NM_000321.3(RB1):c.31G>A (p.Ala11Thr)

Gene: RB1 (RB transcriptional corepressor 1; plus strand). Cytogenetic location: 13q14.2.
Variant type: single nucleotide variant.
Coding change: c.31G>A on transcript NM_000321.3 (MANE Select); coding-DNA position 31, G replaced by A.
Protein change: p.Ala11Thr; replaces alanine 11 with threonine.
Molecular consequence: missense variant.
Genome position (GRCh38, 1-based): chr13:48,303,943, G>A. VCF-style: chr13-48303943-G-A. GRCh37 (hg19) VCF-style: chr13-48878079-G-A.
Other names: c.31G>A, p.Ala11Thr (NM_001407165.1, NM_001407166.1, NM_001407167.1); short protein forms A11T.
Identifiers: ClinVar variation 3072290 (VCV003072290.4), dbSNP rs587778852, ClinGen allele CA388250191.